The following is an entry in ClinVar:

NM_006593.4(TBR1):c.1338C>T (p.His446=)

Gene: TBR1 (T-box brain transcription factor 1; plus strand). Cytogenetic location: 2q24.2.
Variant type: single nucleotide variant.
Coding change: c.1338C>T on transcript NM_006593.4 (MANE Select); coding-DNA position 1338, C replaced by T.
Protein change: p.His446=; no amino-acid change (histidine 446 retained).
Molecular consequence: synonymous variant.
Genome position (GRCh38, 1-based): chr2:161,423,516, C>T. VCF-style: chr2-161423516-C-T. GRCh37 (hg19) VCF-style: chr2-162280027-C-T.
Identifiers: ClinVar variation 3771749 (VCV003771749.13).

ClinVar aggregate classification (germline): Likely benign (1 of 4 stars; one submission).

Submission:

CeGaT Center for Human Genetics Tuebingen
Classification: Likely benign. Last evaluated: 2024-12-01. Review status: criteria provided, single submitter. Criteria: CeGaT Center For Human Genetics Tuebingen Variant Classification Criteria Version 2. Collection method: clinical testing. Allele origin: germline. Affected: yes. Observed: 1 variant allele.
Comment: TBR1: PM2:Supporting, BP4, BP7